The following is an entry in ClinVar:

NC_000002.12:g.121530996A>G

Genes: CLASP1 (cytoplasmic linker associated protein 1; minus strand), CLASP1-AS1 (CLASP1 antisense RNA 1; plus strand), RNU4ATAC (RNA, U4atac small nuclear; plus strand). Cytogenetic location: 2q14.2.
Variant type: single nucleotide variant.
Molecular consequence: intron variant (on NM_001395891.1).
Genome position: GRCh38 VCF-style: chr2-121530996-A-G. GRCh37 (hg19) VCF-style: chr2-122288572-A-G.
Other names: c.196-671T>C (NM_001142274.2, NM_015282.3, NM_001378003.1 and 5 more transcripts).
Identifiers: ClinVar variation 1525441 (VCV001525441.9), dbSNP rs558135361, ClinGen allele CA54811029.

ClinVar aggregate classification (germline): Pathogenic/Likely pathogenic. Review status: criteria provided, multiple submitters, no conflicts (2 of 4 stars). 5 submissions from 5 submitters: Pathogenic (1); Likely pathogenic (4). Last evaluated 2025-12-16.

Conditions:
Roifman syndrome (RFMN). Also called: SPONDYLOEPIPHYSEAL DYSPLASIA, RETINAL DYSTROPHY, AND ANTIBODY DEFICIENCY. Identifiers: Orphanet 353298, MedGen C1846059, MONDO:0014722, OMIM 616651.
Autosomal recessive RNU4ATAC-related disorders.
RNU4ATAC spectrum disorder. Also called: RNU4atac-opathy. Identifiers: MedGen CN377746, MONDO:0100558.

gnomAD v4.1: 33 of 700,158 alleles (0.0047%); highest among the groups gnomAD compares: Non-Finnish European, 0.0057%; no homozygotes.

Submissions (5):

Labcorp Genetics (formerly Invitae), Labcorp
Classification: Pathogenic. Last evaluated: 2025-12-16. Review status: criteria provided, single submitter. Criteria: Invitae Variant Classification Sherloc (09022015). Collection method: clinical testing. Allele origin: germline.
Comment: This variant occurs in the RNU4ATAC gene, which encodes an RNA molecule that does not result in a protein product. This variant is present in population databases (no rsID available, gnomAD 0.009%). This variant has been observed in individual(s) with clinical features of RNU4ATAC-related conditions (internal data). In at least one individual the data is consistent with being in trans (on the opposite chromosome) from a pathogenic variant. ClinVar contains an entry for this variant (Variation ID: 1525441). This variant is located within the Sm protein-binding region of the RNU4ATAC RNA, which is important for small nuclear RNA maturation (PMID: 32628740). A significant number of disease-associated RNU4ATAC variants are found in this region (PMID: 32628740, 30368667). For these reasons, this variant has been classified as Pathogenic.

Variantyx, Inc.
Classification: Likely pathogenic for Autosomal recessive RNU4ATAC-related disorders. Last evaluated: 2025-11-21. Review status: criteria provided, single submitter. Criteria: Variantyx Assertion Criteria 2022. Collection method: clinical testing. Allele origin: germline. Inheritance: Autosomal recessive inheritance. Affected: yes.
Comment: This is a variant in the non-protein-coding RNU4ATAC gene (OMIM: 601428). Pathogenic variants in this gene have been associated with autosomal recessive RNU4ATAC-related disorders. The clinical symptoms reported in this fetus are highly specific for autosomal recessive RNU4ATAC-related disorders, which have a limited genetic etiology (PMID: 36795902)¬†(PP4). The alteration lies within a known hotspot for pathogenic variants or a well-established critical functional domain of the RNU4ATAC non-coding RNA (PMID: 32628740, 26522830) (PM1). It has a 0.0057% maximum allele frequency in non-founder control populations (PM2). Based on the current evidence, this variant is classified as likely pathogenic for autosomal recessive RNU4ATAC-related disorders.

GeneDx
Classification: Likely pathogenic. Last evaluated: 2025-10-06. Review status: criteria provided, single submitter. Criteria: GeneDx Variant Classification Process June 2021. Collection method: clinical testing. Allele origin: germline. Affected: yes.
Comment: Has not been previously published as pathogenic or benign to our knowledge; Located in the critical sm protein-binding site domain, known to be intolerant to change (PMID: 26522830, 29263834, 32628740); This variant is associated with the following publications: (PMID: 26522830, 29263834, 32628740)

Broad Center for Mendelian Genomics, Broad Institute of MIT and Harvard
Classification: Likely pathogenic for RNU4ATAC spectrum disorder. Last evaluated: 2025-08-21. Review status: criteria provided, single submitter. Criteria: Ellingford et al. (Genome Med. 2022). Collection method: curation. Allele origin: germline. Inheritance: Autosomal recessive inheritance.
Comment: This variant has been reported in the literature in two other individuals with RNU4ATAC spectrum disorder (PMID: 29263834, 37225827), and has been identified in 0.008% (2/23494) of Ashkenazi Jewish chromosomes by the Genome Aggregation Database (gnomAD; dbSNP rs558135361). Although this variant has been seen in the general population in a heterozygous state, its frequency is low enough to be consistent with a recessive carrier frequency. This variant has also been reported in ClinVar (VCV001525441.5) and has been interpreted as pathogenic by Labcorp Genetics. Of the three affected individuals, one was a compound heterozygote that carried a reported pathogenic variant in trans, which increases the likelihood that the n.116A>G variant is pathogenic (VCV000218083.44; PMID: 39802771). RNAseq analysis performed on affected tissue shows a signature of significant minor intron retention. However, these types of assays may not accurately represent biological function. The n.116A>G variant is located in the Sm protein binding region of RNU4ATAC where several other variants have been identified, suggesting that this variant is in a functional domain and supports pathogenicity (PMID: 26522830, 32628740). In summary, although additional studies are required to fully establish its clinical significance, this variant is likely pathogenic for autosomal recessive RNU4ATAC spectrum disorder. ACMG/AMP Criteria applied: PS3, PM1, PM3, PM2_supporting (Richards 2015).

Department of Human Genetics, Hannover Medical School
Classification: Likely pathogenic for Roifman syndrome. Last evaluated: 2024-03-23. Review status: criteria provided, single submitter. Criteria: ACMG Guidelines, 2015. Collection method: clinical testing. Allele origin: inherited. Inheritance: Autosomal recessive inheritance. Affected: yes.

Literature cited by the submitters: PubMed 32628740 (cited by Labcorp Genetics (formerly Invitae), Labcorp and Variantyx, Inc.); PubMed 30368667 (cited by Labcorp Genetics (formerly Invitae), Labcorp); PubMed 26522830 (cited by Variantyx, Inc.).